The following is an entry in ClinVar:

ClinVar aggregate classification (germline): Uncertain significance. Review status: criteria provided, multiple submitters, no conflicts (2 of 4 stars). 10 submissions from 10 submitters: Uncertain significance (8). 2 of the submissions do not count toward it. Last evaluated 2025-10-16.

Conditions:
Microcephaly, normal intelligence and immunodeficiency (NBS). Also called: IMMUNODEFICIENCY, MICROCEPHALY, AND CHROMOSOMAL INSTABILITY; SEEMANOVA SYNDROME II; Nijmegen breakage syndrome; Microcephaly with normal intelligence immunodeficiency and lymphoreticular malignancies; Nonsyndromal microcephaly autosomal recessive with normal intelligence; Seemanova syndrome 2. Identifiers: Orphanet 647, MedGen C0398791, MONDO:0009623, OMIM 251260.
Acute lymphoid leukemia (ALL). Also called: Acute lymphoblastic leukemia; Acute lymphocytic leukemia; Lymphoblastic leukemia; Leukemia, acute lymphoblastic, somatic. Identifiers: Orphanet 513, MedGen C0023449, MONDO:0004967, OMIM 613065, HP:0006721.
Aplastic anemia. Identifiers: Orphanet 182040, Orphanet 88, MedGen C0002874, MONDO:0015909, OMIM 609135, HP:0001915.
Hereditary cancer-predisposing syndrome. Also called: Tumor predisposition; Hereditary Cancer Syndrome; Neoplastic Syndromes, Hereditary; Hereditary neoplastic syndrome. Identifiers: Orphanet 140162, MedGen C0027672, MeSH D009386, MONDO:0015356.

Allele frequency attached by ClinVar (database versions not stated): gnomAD exomes below 0.00001 and 0.00001.
gnomAD v4.1: 16 of 1,613,438 alleles (0.00099%); highest among the groups gnomAD compares: Non-Finnish European, 0.0014%; no homozygotes.

Submissions (10):

Ambry Genetics
Classification: Uncertain significance for Hereditary cancer-predisposing syndrome. Last evaluated: 2025-10-16. Review status: criteria provided, single submitter. Criteria: Ambry Variant Classification Scheme 2023. Collection method: clinical testing. Allele origin: germline.
Comment: The p.Y74H variant (also known as c.220T>C), located in coding exon 3 of the NBN gene, results from a T to C substitution at nucleotide position 220. The tyrosine at codon 74 is replaced by histidine, an amino acid with similar properties. This amino acid position is highly conserved in available vertebrate species. In addition, the in silico prediction for this alteration is inconclusive. Since supporting evidence is limited at this time, the clinical significance of this alteration remains unclear.

Labcorp Genetics (formerly Invitae), Labcorp
Classification: Uncertain significance for Microcephaly, normal intelligence and immunodeficiency. Last evaluated: 2025-08-11. Review status: criteria provided, single submitter. Criteria: Invitae Variant Classification Sherloc (09022015). Collection method: clinical testing. Allele origin: germline.
Comment: This sequence change replaces tyrosine, which is neutral and polar, with histidine, which is basic and polar, at codon 74 of the NBN protein (p.Tyr74His). This variant is present in population databases (rs587780094, gnomAD 0.0009%). This variant has not been reported in the literature in individuals affected with NBN-related conditions. ClinVar contains an entry for this variant (Variation ID: 127867). An algorithm developed to predict the effect of missense changes on protein structure and function (PolyPhen-2) suggests that this variant is likely to be disruptive. In summary, the available evidence is currently insufficient to determine the role of this variant in disease. Therefore, it has been classified as a Variant of Uncertain Significance.

Baylor Genetics
Classification: Uncertain significance for Aplastic anemia. Last evaluated: 2023-06-13. Review status: criteria provided, single submitter. Criteria: ACMG Guidelines, 2015. Collection method: clinical testing. Allele origin: unknown.

Fulgent Genetics
Classification: Uncertain significance for Microcephaly, normal intelligence and immunodeficiency; Aplastic anemia; Acute lymphoid leukemia. Last evaluated: 2022-05-17. Review status: criteria provided, single submitter. Criteria: ACMG Guidelines, 2015. Collection method: clinical testing. Allele origin: unknown.

GeneDx
Classification: Uncertain significance. Last evaluated: 2021-12-15. Review status: criteria provided, single submitter. Criteria: GeneDx Variant Classification Process June 2021. Collection method: clinical testing. Allele origin: germline. Affected: yes.
Comment: Not observed at significant frequency in large population cohorts (Lek 2016); In silico analysis supports that this missense variant has a deleterious effect on protein structure/function; Has not been previously published as pathogenic or benign to our knowledge; This variant is associated with the following publications: (PMID: 24894818)

Genome-Nilou Lab
Classification: Uncertain significance for Microcephaly, normal intelligence and immunodeficiency. Last evaluated: 2021-11-07. Review status: criteria provided, single submitter. Criteria: ACMG Guidelines, 2015. Collection method: clinical testing. Allele origin: germline. Affected: no.

Women's Health and Genetics/Laboratory Corporation of America, LabCorp
Classification: Uncertain significance. Last evaluated: 2019-11-01. Review status: criteria provided, single submitter. Criteria: LabCorp Variant Classification Summary - May 2015. Collection method: clinical testing. Allele origin: germline.
Comment: Variant summary: NBN c.220T>C (p.Tyr74His) results in a conservative amino acid change located in the Nibrin, second BRCT domain of the encoded protein sequence. Three of five in-silico tools predict a damaging effect of the variant on protein function. The variant allele was found at a frequency of 4e-06 in 251276 control chromosomes. The available data on variant occurrences in the general population are insufficient to allow any conclusion about variant significance. To our knowledge, no occurrence of c.220T>C in individuals affected with Nijmegen Breakage Syndrome and no experimental evidence demonstrating its impact on protein function have been reported. Five clinical diagnostic laboratories have submitted clinical-significance assessments for this variant to ClinVar after 2014 without evidence for independent evaluation. All laboratories classified the variant as uncertain significance. Based on the evidence outlined above, the variant was classified as uncertain significance.

Illumina Laboratory Services, Illumina
Classification: Uncertain significance for Microcephaly, normal intelligence and immunodeficiency. Last evaluated: 2017-04-27. Review status: criteria provided, single submitter. Criteria: ICSL Variant Classification Criteria 13 December 2019. Collection method: clinical testing. Allele origin: germline.

Natera, Inc.
Classification: Uncertain significance for Nijmegen breakage syndrome. Last evaluated: 2021-03-23. Review status: no assertion criteria provided. Collection method: clinical testing. Allele origin: germline. Not counted in ClinVar's aggregate classification.

Counsyl
Classification: Uncertain significance for Microcephaly, normal intelligence and immunodeficiency. Last evaluated: 2017-11-09. Review status: no assertion criteria provided. Collection method: clinical testing. Allele origin: unknown. Not counted in ClinVar's aggregate classification.

NM_002485.5(NBN):c.220T>C (p.Tyr74His)

Gene: NBN (nibrin; minus strand). Cytogenetic location: 8q21.3.
Variant type: single nucleotide variant.
Coding change: c.220T>C on transcript NM_002485.5 (MANE Select); coding-DNA position 220, T replaced by C.
Protein change: p.Tyr74His; replaces tyrosine 74 with histidine.
Molecular consequence: missense variant. On other transcripts: 5 prime UTR variant (1).
Genome position (GRCh38, 1-based): chr8:89,981,475, A>G on the plus strand (T>C on the coding strand, the complement: NBN is on the minus strand). VCF-style: chr8-89981475-A-G. GRCh37 (hg19) VCF-style: chr8-90993703-A-G.
Other names: p.Y74H:TAT>CAT; c.-27T>C (NM_001024688.3); short protein forms Y74H.
Identifiers: ClinVar variation 127867 (VCV000127867.32), dbSNP rs587780094, ClinGen allele CA287925.
Genomic context (GRCh38, chr8:89,981,475, plus strand): 5'-CCGACTTCAAAGTTCGGGAAAAGCCATTCTGCATTTTTTCCTCATTAACAAAGGTACCAT[A>G]CTTAGAATTATCTTTTAATGTCAATACAGGGATTTCATCTGTTTGACTCTGAAAAGTTAG-3'
Protein context (NP_002476.2, residues 64-84): PVLTLKDNSK[Tyr74His]GTFVNEEKMQ